The following is an entry in ClinVar:

NM_003118.4(SPARC):c.271C>T (p.Pro91Ser)

Gene: SPARC (secreted protein acidic and cysteine rich; minus strand). Cytogenetic location: 5q33.1.
Variant type: single nucleotide variant.
Coding change: c.271C>T on transcript NM_003118.4 (MANE Select); coding-DNA position 271, C replaced by T.
Protein change: p.Pro91Ser; replaces proline 91 with serine.
Molecular consequence: missense variant.
Genome position (GRCh38, 1-based): chr5:151,671,632, G>A on the plus strand (C>T on the coding strand, the complement: SPARC is on the minus strand). VCF-style: chr5-151671632-G-A. GRCh37 (hg19) VCF-style: chr5-151051193-G-A.
Other names: c.268C>T, p.Pro90Ser (NM_001309443.2); c.271C>T, p.Pro91Ser (NM_001309444.2); short protein forms P90S, P91S.
Identifiers: ClinVar variation 1969304 (VCV001969304.5), dbSNP rs1479470368, ClinGen allele CA361834258.

ClinVar aggregate classification (germline): Uncertain significance (1 of 4 stars; one submission).

gnomAD v4.1: 4 of 1,609,696 alleles (0.00025%); highest among the groups gnomAD compares: Non-Finnish European, 0.00034%; no homozygotes.

Submission:

Labcorp Genetics (formerly Invitae), Labcorp
Classification: Uncertain significance. Last evaluated: 2022-01-27. Review status: criteria provided, single submitter. Criteria: Invitae Variant Classification Sherloc (09022015). Collection method: clinical testing. Allele origin: germline.
Comment: In summary, the available evidence is currently insufficient to determine the role of this variant in disease. Therefore, it has been classified as a Variant of Uncertain Significance. Algorithms developed to predict the effect of missense changes on protein structure and function (SIFT, PolyPhen-2, Align-GVGD) all suggest that this variant is likely to be disruptive. This variant has not been reported in the literature in individuals affected with SPARC-related conditions. The frequency data for this variant in the population databases is considered unreliable, as metrics indicate poor data quality at this position in the gnomAD database. This sequence change replaces proline, which is neutral and non-polar, with serine, which is neutral and polar, at codon 91 of the SPARC protein (p.Pro91Ser).